The following is an entry in ClinVar:

NM_000426.4(LAMA2):c.4601C>A (p.Ser1534Ter)

Gene: LAMA2 (laminin subunit alpha 2; plus strand). Cytogenetic location: 6q22.33.
Variant type: single nucleotide variant.
Coding change: c.4601C>A on transcript NM_000426.4 (MANE Select); coding-DNA position 4601, C replaced by A.
Protein change: p.Ser1534Ter; replaces serine 1534 with a stop codon.
Molecular consequence: nonsense.
Genome position (GRCh38, 1-based): chr6:129,353,241, C>A. VCF-style: chr6-129353241-C-A. GRCh37 (hg19) VCF-style: chr6-129674386-C-A.
Other names: c.4601C>A, p.Ser1534Ter (NM_001079823.2); short protein forms S1534*.
Identifiers: ClinVar variation 984086 (VCV000984086.4), dbSNP rs917205971, ClinGen allele CA365618592.

ClinVar aggregate classification (germline): Likely pathogenic (1 of 4 stars; one submission).

Conditions:
LAMA2-related muscular dystrophy (LAMA2-RD). Also called: Laminin alpha 2-related dystrophy. Identifiers: MedGen C5679788, MONDO:0100228.

Submission:

Myriad Genetics, Inc.
Classification: Likely pathogenic for LAMA2-related muscular dystrophy. Last evaluated: 2019-05-22. Review status: criteria provided, single submitter. Criteria: Myriad Autosomal Dominant, Autosomal Recessive and X-Linked Classification Criteria (2023). Collection method: clinical testing. Allele origin: unknown.
Comment: NM_000426.3(LAMA2):c.4601C>A(S1534*) is expected to be pathogenic in the context of LAMA2-related muscular dystrophy. This variant is predicted to lead to an abnormal or absent protein product due to the creation of a premature termination codon in LAMA2, a gene where loss-of-function variants are known to be pathogenic. Please note: this variant was assessed in the context of healthy population screening.